The following is an entry in ClinVar:

NM_001447.3(FAT2):c.9261G>A (p.Ala3087=)

Genes: FAT2 (FAT atypical cadherin 2; minus strand), SLC36A1 (solute carrier family 36 member 1; plus strand). Cytogenetic location: 5q33.1.
Variant type: single nucleotide variant.
Coding change: c.9261G>A on transcript NM_001447.3 (MANE Select); coding-DNA position 9261, G replaced by A.
Protein change: p.Ala3087=; no amino-acid change (alanine 3087 retained).
Molecular consequence: synonymous variant.
Genome position (GRCh38, 1-based): chr5:151,534,575, C>T on the plus strand (G>A on the coding strand, the complement: FAT2 is on the minus strand). VCF-style: chr5-151534575-C-T. GRCh37 (hg19) VCF-style: chr5-150914136-C-T.
Identifiers: ClinVar variation 3043550 (VCV003043550.2), dbSNP rs765995818, ClinGen allele CA3520608.
Genomic context (GRCh38, chr5:151,534,575, plus strand): 5'-ATTCACATCCTCCACATGGAGGGTGATGTCTGCCTGGCACGATCGGCCACCTCCATCCGT[C>T]GCCTTGGCAACAAGGTTGAACACATCCTTCCTTTCTCGGTCTAGGGCAGTGAGTGTGGTC-3'
Protein context (NP_001438.1, residues 3077-3097): RKDVFNLVAK[Ala3087=]TDGGGRSCQA

ClinVar aggregate classification (germline): Likely benign (0 of 4 stars; one submission).

Conditions:
FAT2-related disorder. Also called: FAT2-related condition.

Allele frequency attached by ClinVar (database versions not stated): ExAC 0.00001; gnomAD 0.00001; gnomAD exomes 0.00001; TOPMed 0.00001.
gnomAD v4.1: 19 of 1,613,990 alleles (0.0012%); highest among the groups gnomAD compares: Middle Eastern, 0.033%; no homozygotes.

Submission:

PreventionGenetics, part of Exact Sciences
Classification: Likely benign for FAT2-related condition. Last evaluated: 2019-06-19. Review status: no assertion criteria provided. Collection method: clinical testing. Allele origin: germline.
Comment: This variant is classified as likely benign based on ACMG/AMP sequence variant interpretation guidelines (Richards et al. 2015 PMID: 25741868, with internal and published modifications).